The following is an entry in ClinVar:

ClinVar aggregate classification (germline): Likely benign. Review status: criteria provided, single submitter (1 of 4 stars). 2 submissions from 2 submitters: Likely benign (1). 1 of the submissions does not count toward it. Last evaluated 2024-03-29.

Conditions:
GRIP1-related disorder. Also called: GRIP1-related condition.

Allele frequency attached by ClinVar (database versions not stated): gnomAD 0.00001; ExAC 0.00002.
gnomAD v4.1: 93 of 1,613,562 alleles (0.0058%); highest among the groups gnomAD compares: Non-Finnish European, 0.0076%; no homozygotes.

Submissions (2):

Labcorp Genetics (formerly Invitae), Labcorp
Classification: Likely benign. Last evaluated: 2024-03-29. Review status: criteria provided, single submitter. Criteria: Invitae Variant Classification Sherloc (09022015). Collection method: clinical testing. Allele origin: germline.

PreventionGenetics, part of Exact Sciences
Classification: Likely benign for GRIP1-related condition. Last evaluated: 2019-07-15. Review status: no assertion criteria provided. Collection method: clinical testing. Allele origin: germline. Not counted in ClinVar's aggregate classification.
Comment: This variant is classified as likely benign based on ACMG/AMP sequence variant interpretation guidelines (Richards et al. 2015 PMID: 25741868, with internal and published modifications).

NM_001366722.1(GRIP1):c.867A>C (p.Ala289=)

Gene: GRIP1 (glutamate receptor interacting protein 1; minus strand). Cytogenetic location: 12q14.3.
Variant type: single nucleotide variant.
Coding change: c.867A>C on transcript NM_001366722.1 (MANE Select); coding-DNA position 867, A replaced by C.
Protein change: p.Ala289=; no amino-acid change (alanine 289 retained).
Molecular consequence: synonymous variant.
Genome position (GRCh38, 1-based): chr12:66,465,280, T>G on the plus strand (A>C on the coding strand, the complement: GRIP1 is on the minus strand). VCF-style: chr12-66465280-T-G. GRCh37 (hg19) VCF-style: chr12-66859060-T-G.
Other names: c.867A>C, p.Ala289= (NM_001178074.2, NM_001379346.1, NM_021150.4); c.945A>C, p.Ala315= (NM_001366723.1, NM_001366724.1, NM_001379345.1 and 2 more transcripts); c.870A>C, p.Ala290= (NM_001379349.1, NM_001379351.1); c.867A>C (NM_021150.3).
Identifiers: ClinVar variation 2171067 (VCV002171067.6), dbSNP rs752886611, ClinGen allele CA6674528.